The following is an entry in ClinVar:

ClinVar aggregate classification (germline): Uncertain significance (1 of 4 stars; one submission).

Allele frequency attached by ClinVar (database versions not stated): gnomAD 0.00001; gnomAD exomes 0.00001; TOPMed 0.00002; ExAC 0.00004.
gnomAD v4.1: 12 of 1,614,002 alleles (0.00074%); highest among the groups gnomAD compares: Admixed American, 0.018%; no homozygotes.

Submission:

Labcorp Genetics (formerly Invitae), Labcorp
Classification: Uncertain significance. Last evaluated: 2022-04-17. Review status: criteria provided, single submitter. Criteria: Invitae Variant Classification Sherloc (09022015). Collection method: clinical testing. Allele origin: germline.
Comment: In summary, the available evidence is currently insufficient to determine the role of this variant in disease. Therefore, it has been classified as a Variant of Uncertain Significance. This sequence change replaces arginine, which is basic and polar, with glycine, which is neutral and non-polar, at codon 32 of the FERMT1 protein (p.Arg32Gly). This variant is present in population databases (rs766072646, gnomAD 0.03%). This variant has not been reported in the literature in individuals affected with FERMT1-related conditions. Algorithms developed to predict the effect of missense changes on protein structure and function (SIFT, PolyPhen-2, Align-GVGD) all suggest that this variant is likely to be tolerated.

NM_017671.5(FERMT1):c.94A>G (p.Arg32Gly)

Gene: FERMT1 (FERM domain containing kindlin 1; minus strand). Cytogenetic location: 20p12.3.
Variant type: single nucleotide variant.
Coding change: c.94A>G on transcript NM_017671.5 (MANE Select); coding-DNA position 94, A replaced by G.
Protein change: p.Arg32Gly; replaces arginine 32 with glycine.
Molecular consequence: missense variant.
Genome position (GRCh38, 1-based): chr20:6,119,461, T>C on the plus strand (A>G on the coding strand, the complement: FERMT1 is on the minus strand). VCF-style: chr20-6119461-T-C. GRCh37 (hg19) VCF-style: chr20-6100108-T-C.
Other names: short protein forms R32G.
Identifiers: ClinVar variation 1982667 (VCV001982667.4), dbSNP rs766072646, ClinGen allele CA9758550.